The following is an entry in ClinVar:

ClinVar aggregate classification (germline): Uncertain significance (1 of 4 stars; one submission).

Conditions:
Inborn genetic diseases. Identifiers: MedGen C0950123, MeSH D030342.

Submission:

Ambry Genetics
Classification: Uncertain significance for Inborn genetic diseases. Last evaluated: 2026-06-02. Review status: criteria provided, single submitter. Criteria: Ambry Variant Classification Scheme 2023. Collection method: clinical testing. Allele origin: germline.
Comment: The c.1732G>A variant (also known as p.G578R), located in coding exon 16 of the DDX41 gene, results from a G to A substitution at nucleotide position 1732. The glycine at codon 578 is replaced by arginine, an amino acid with dissimilar properties properties. However, this change occurs in the last base pair of coding exon 16, which makes it likely to have some effect on normal mRNA splicing. This nucleotide position is highly conserved in available vertebrate species. This amino acid position is well conserved in available vertebrate species. In silico splice site analysis predicts that this alteration will weaken the native splice donor site and may result in the creation or strengthening of a novel splice donor site. In addition, as a missense substitution this is predicted to be inconclusive by in silico analysis. Based on the available evidence, the clinical significance of this variant remains unclear.

NM_016222.4(DDX41):c.1732G>A (p.Gly578Arg)

Gene: DDX41 (DEAD-box helicase 41; minus strand). Cytogenetic location: 5q35.3.
Variant type: single nucleotide variant.
Coding change: c.1732G>A on transcript NM_016222.4 (MANE Select); coding-DNA position 1732, G replaced by A.
Protein change: p.Gly578Arg; replaces glycine 578 with arginine.
Molecular consequence: missense variant.
Genome position (GRCh38, 1-based): chr5:177,512,096, C>T on the plus strand (G>A on the coding strand, the complement: DDX41 is on the minus strand). VCF-style: chr5-177512096-C-T. GRCh37 (hg19) VCF-style: chr5-176939097-C-T.
Other names: c.1354G>A, p.Gly452Arg (NM_001321732.2, NM_001321830.2); short protein forms G452R, G578R.
Identifiers: ClinVar variation 4869691 (VCV004869691.1).